The following is an entry in ClinVar:

NM_139319.3(SLC17A8):c.*473T>C

Gene: SLC17A8 (solute carrier family 17 member 8; plus strand). Cytogenetic location: 12q23.1.
Variant type: single nucleotide variant.
Coding change: c.*473T>C on transcript NM_139319.3 (MANE Select); 473 bases downstream of the stop codon, T replaced by C.
Molecular consequence: 3 prime UTR variant.
Genome position (GRCh38, 1-based): chr12:100,420,632, T>C. VCF-style: chr12-100420632-T-C. GRCh37 (hg19) VCF-style: chr12-100814410-T-C.
Other names: c.*473T>C (NM_001145288.2).
Identifiers: ClinVar variation 880689 (VCV000880689.4), dbSNP rs141694078, ClinGen allele CA242351245.
Genomic context (GRCh38, chr12:100,420,632, plus strand): 5'-ATAAACCCCACGTTGTGGCAGGTGCTTTATAAACACTCTTATTTAATCTCCACACCTTTA[T>C]GACACACATTTCTTATCCCCATTTTACAACCAAGGCATCTAAAGCAACAAGAAATGAACT-3'

ClinVar aggregate classification (germline): Likely benign (1 of 4 stars; one submission).

Conditions:
Autosomal dominant nonsyndromic hearing loss 25. Identifiers: Orphanet 90635, MedGen C1854158, MONDO:0011568, OMIM 605583.

Allele frequency attached by ClinVar (database versions not stated): gnomAD 0.00023 and 0.00038; TOPMed 0.00047; gnomAD exomes 0.00124; 1000 Genomes Project 30x 0.00125; 1000 Genomes Project 0.00140.
gnomAD v4.1: 71 of 163,132 alleles (0.044%); highest among the groups gnomAD compares: East Asian, 1.1%; no homozygotes.

Submission:

Illumina Laboratory Services, Illumina
Classification: Likely benign for Autosomal dominant nonsyndromic hearing loss 25. Last evaluated: 2018-01-13. Review status: criteria provided, single submitter. Criteria: ICSL Variant Classification Criteria 13 December 2019. Collection method: clinical testing. Allele origin: germline.
Comment: This variant was observed in the ICSL laboratory as part of a predisposition screen in an ostensibly healthy population. It had not been previously curated by ICSL or reported in the Human Gene Mutation Database (HGMD: prior to June 1st, 2018), and was therefore a candidate for classification through an automated scoring system. Utilizing variant allele frequency, disease prevalence and penetrance estimates, and inheritance mode, an automated score was calculated to assess if this variant is too frequent to cause the disease. Based on the score and internal cut-off values, a variant classified as likely benign is not then subjected to further curation. The score for this variant resulted in a classification of likely benign for this disease.